The following is an entry in ClinVar:

NM_000268.4(NF2):c.1507del (p.Asp503fs)

Gene: NF2 (NF2, moesin-ezrin-radixin like (MERLIN) tumor suppressor; plus strand). Cytogenetic location: 22q12.2.
Variant type: Deletion.
Coding change: c.1507del on transcript NM_000268.4 (MANE Select); coding-DNA position 1507, one base deleted (G; older notation c.1507delG).
Protein change: p.Asp503fs; shifts the reading frame from aspartic acid 503.
Molecular consequence: frameshift variant. On other transcripts: non-coding transcript variant (1), intron variant (1).
Genome position (GRCh38, 1-based): chr22:29,678,256, G deleted. VCF-style (leftmost placement, unchanged base first): chr22-29678255-TG-T. GRCh37 (hg19) VCF-style: chr22-30074244-TG-T.
Other names: c.1393delG, p.Asp465Thrfs (NM_001407053.1, NM_001407056.1); c.1384delG, p.Asp462Thrfs (NM_001407054.1, NM_001407058.1); c.1381delG, p.Asp461Thrfs (NM_001407055.1); c.1372delG, p.Asp458Thrfs (NM_001407057.1, NM_001407059.1); c.1507delG, p.Asp503Thrfs (NM_001407060.1, NM_001407066.1); c.1249delG, p.Asp417Thrfs (NM_001407062.1); c.1258delG, p.Asp420Thrfs (NM_001407063.1, NM_001407064.1); c.973delG, p.Asp325Thrfs (NM_001407065.1); and 6 more; short protein forms D461fs, D503fs, D462fs, D420fs.
Identifiers: ClinVar variation 1774111 (VCV001774111.2), dbSNP rs2518712644, ClinGen allele CA2580099512.

ClinVar aggregate classification (germline): Pathogenic (1 of 4 stars; one submission).

Conditions:
Hereditary cancer-predisposing syndrome. Also called: Hereditary Cancer Syndrome; Hereditary neoplastic syndrome; Neoplastic Syndromes, Hereditary; Tumor predisposition. Identifiers: Orphanet 140162, MedGen C0027672, MeSH D009386, MONDO:0015356.

Submission:

Ambry Genetics
Classification: Pathogenic for Hereditary cancer-predisposing syndrome. Last evaluated: 2022-02-23. Review status: criteria provided, single submitter. Criteria: Ambry Variant Classification Scheme 2023. Collection method: clinical testing. Allele origin: germline.
Comment: The c.1507delG pathogenic mutation, located in coding exon 14 of the NF2 gene, results from a deletion of one nucleotide at nucleotide position 1507, causing a translational frameshift with a predicted alternate stop codon (p.D503Tfs*12). This variant is considered to be rare based on population cohorts in the Genome Aggregation Database (gnomAD). This alteration is expected to result in loss of function by premature protein truncation or nonsense-mediated mRNA decay. As such, this alteration is interpreted as a disease-causing mutation.